The following is an entry in ClinVar:

NM_001037.5(SCN1B):c.85G>A (p.Glu29Lys)

Gene: SCN1B (sodium voltage-gated channel beta subunit 1; plus strand). Cytogenetic location: 19q13.11.
Variant type: single nucleotide variant.
Coding change: c.85G>A on transcript NM_001037.5 (MANE Select); coding-DNA position 85, G replaced by A.
Protein change: p.Glu29Lys; replaces glutamic acid 29 with lysine.
Molecular consequence: missense variant. On other transcripts: 5 prime UTR variant (1).
Genome position (GRCh38, 1-based): chr19:35,032,572, G>A. VCF-style: chr19-35032572-G-A. GRCh37 (hg19) VCF-style: chr19-35523476-G-A.
Other names: c.85G>A (NM_001037.4); c.-15G>A (NM_001321605.2); c.85G>A, p.Glu29Lys (NM_199037.5); short protein forms E29K.
Identifiers: ClinVar variation 637055 (VCV000637055.12), dbSNP rs767384862, ClinGen allele CA9371954.

ClinVar aggregate classification (germline): Uncertain significance. Review status: criteria provided, multiple submitters, no conflicts (2 of 4 stars). 4 submissions from 4 submitters: Uncertain significance (4). Last evaluated 2026-01-28.

Conditions:
Cardiovascular phenotype. Identifiers: MedGen CN230736.
Generalized epilepsy with febrile seizures plus, type 1 (GEFSP1). Also called: GEFS+, TYPE 1. Identifiers: Orphanet 36387, MedGen C1858672, MONDO:0011416, OMIM 604233.
Brugada syndrome 5 (BRGDA5). Identifiers: Orphanet 130, Orphanet 871, MedGen C2748541, MONDO:0013015, OMIM 612838.
Childhood absence epilepsy. Identifiers: Orphanet 64280, MedGen C4281785, MONDO:0010826.

Allele frequency attached by ClinVar (database versions not stated): ExAC 0.00001; gnomAD 0.00001; gnomAD exomes 0.00001; TOPMed 0.00002.

Submissions (4):

Labcorp Genetics (formerly Invitae), Labcorp
Classification: Uncertain significance for Brugada syndrome 5. Last evaluated: 2026-01-28. Review status: criteria provided, single submitter. Criteria: Invitae Variant Classification Sherloc (09022015). Collection method: clinical testing. Allele origin: germline.
Comment: This sequence change replaces glutamic acid, which is acidic and polar, with lysine, which is basic and polar, at codon 29 of the SCN1B protein (p.Glu29Lys). This variant is present in population databases (rs767384862, gnomAD 0.006%). This variant has not been reported in the literature in individuals affected with SCN1B-related conditions. ClinVar contains an entry for this variant (Variation ID: 637055). An algorithm developed to predict the effect of missense changes on protein structure and function (PolyPhen-2) suggests that this variant is likely to be disruptive. In summary, the available evidence is currently insufficient to determine the role of this variant in disease. Therefore, it has been classified as a Variant of Uncertain Significance.

Neuberg Centre For Genomic Medicine, NCGM
Classification: Uncertain significance for Generalized epilepsy with febrile seizures plus, type 1. Last evaluated: 2023-06-22. Review status: criteria provided, single submitter. Criteria: ACMG Guidelines, 2015. Collection method: clinical testing. Allele origin: germline. Inheritance: Autosomal dominant inheritance. Affected: yes.
Comment: The observed missense variant c.85G>A(p.Glu29Lys) in the SCN1B gene has not been reported previously as a pathogenic variant nor as a benign variant, to our knowledge. This variant is reported with the allele frequency 0.001% in the gnomAD Exomes. This variant has been reported to the ClinVar database as Uncertain Significance. However, no details are available for independent assessment. The amino acid Glu at position 29 is changed to a Lys changing protein sequence and it might alter its composition and physico- chemical properties. Multiple lines of computational evidence (Polyphen - Probably damaging, SIFT - Damaging and MutationTaster - Disease causing) predict a damaging effect on protein structure and function for this variant. The residue is conserved by GERP++ and PhyloP across 100 vertebrates. For these reasons, this variant has been classified as Uncertain Significance.

Ambry Genetics
Classification: Uncertain significance for Cardiovascular phenotype. Last evaluated: 2021-12-12. Review status: criteria provided, single submitter. Criteria: Ambry Variant Classification Scheme 2023. Collection method: clinical testing. Allele origin: germline.

Clinical Molecular Genetics Laboratory, Johns Hopkins All Children's Hospital
Classification: Uncertain significance for Childhood absence epilepsy. Last evaluated: 2019-07-18. Review status: criteria provided, single submitter. Criteria: ACMG Guidelines, 2015. Collection method: clinical testing. Allele origin: germline. Inheritance: Autosomal dominant inheritance. Affected: yes. Observed: 1 heterozygote.